The following is an entry in ClinVar:

ClinVar aggregate classification (germline): Likely benign (1 of 4 stars; one submission).

Allele frequency attached by ClinVar (database versions not stated): 1000 Genomes Project 0.00220; 1000 Genomes Project 30x 0.00281; TOPMed 0.00461; ExAC 0.00502; gnomAD 0.00504; ESP Exome Variant Server 0.00615; gnomAD exomes 0.00741.

Submission:

CeGaT Center for Human Genetics Tuebingen
Classification: Likely benign. Last evaluated: 2022-12-01. Review status: criteria provided, single submitter. Criteria: CeGaT Center For Human Genetics Tuebingen Variant Classification Criteria Version 2. Collection method: clinical testing. Allele origin: germline. Affected: yes. Observed: 1 variant allele.
Comment: SLC6A18: BP4, BS2

NM_182632.3(SLC6A18):c.588G>A (p.Met196Ile)

Gene: SLC6A18 (solute carrier family 6 member 18; plus strand). Cytogenetic location: 5p15.33.
Variant type: single nucleotide variant.
Coding change: c.588G>A on transcript NM_182632.3 (MANE Select); coding-DNA position 588, G replaced by A.
Protein change: p.Met196Ile; replaces methionine 196 with isoleucine.
Molecular consequence: missense variant.
Genome position (GRCh38, 1-based): chr5:1,235,629, G>A. VCF-style: chr5-1235629-G-A. GRCh37 (hg19) VCF-style: chr5-1235744-G-A.
Other names: short protein forms M196I.
Identifiers: ClinVar variation 2655271 (VCV002655271.24), dbSNP rs76827400, ClinGen allele CA3183604.